The following is an entry in ClinVar:

NM_001009944.3(PKD1):c.4394C>T (p.Pro1465Leu)

Gene: PKD1 (polycystin 1, transient receptor potential channel interacting; minus strand). Cytogenetic location: 16p13.3.
Variant type: single nucleotide variant.
Coding change: c.4394C>T on transcript NM_001009944.3 (MANE Select); coding-DNA position 4394, C replaced by T.
Protein change: p.Pro1465Leu; replaces proline 1465 with leucine.
Molecular consequence: missense variant.
Genome position (GRCh38, 1-based): chr16:2,110,773, G>A on the plus strand (C>T on the coding strand, the complement: PKD1 is on the minus strand). VCF-style: chr16-2110773-G-A. GRCh37 (hg19) VCF-style: chr16-2160774-G-A.
Other names: c.4394C>T (NM_000296.3); c.4394C>T, p.Pro1465Leu (NM_000296.4); short protein forms P1465L.
Identifiers: ClinVar variation 1711177 (VCV001711177.3), dbSNP rs777140825, ClinGen allele CA7832389.

ClinVar aggregate classification (germline): Uncertain significance. Review status: criteria provided, multiple submitters, no conflicts (2 of 4 stars). 3 submissions from 3 submitters: Uncertain significance (2). 1 of the submissions does not count toward it. Last evaluated 2025-11-27.

Conditions:
Inborn genetic diseases. Identifiers: MedGen C0950123, MeSH D030342.
Polycystic kidney disease, adult type (PKD1). Also called: Polycystic Kidney, Autosomal Dominant; Polycystic Kidney Disease 1, Autosomal Dominant; Polycystic kidney disease 1; Polycystic kidney disease 1, severe; POLYCYSTIC KIDNEY DISEASE 1 WITH OR WITHOUT POLYCYSTIC LIVER DISEASE; POLYCYSTIC KIDNEY DISEASE, ADULT, TYPE I. Identifiers: MedGen C3149841, MONDO:0008263, OMIM 173900.

Allele frequency attached by ClinVar (database versions not stated): ExAC 0.00001.

Submissions (3):

Victorian Clinical Genetics Services, Murdoch Childrens Research Institute
Classification: Uncertain significance for Polycystic kidney disease, adult type. Last evaluated: 2025-11-27. Review status: criteria provided, single submitter. Criteria: ACMG Guidelines, 2015. Collection method: clinical testing. Allele origin: germline. Affected: yes.
Comment: This variant is classified as VUS-3B. Evidence in support of pathogenic classification: Variant is present in gnomAD <0.001 for a dominant condition (v2: 1 heterozygote(s), 0 homozygote(s)). Additional information: Variant is predicted to result in a missense amino acid change from Pro to Leu; This variant is heterozygous; This gene is associated with autosomal dominant disease. Polycystic kidney disease 1 (MIM#173900) is predominantly caused by monoallelic variants, with rare reports of biallelic variants causing disease (OMIM); Alternative amino acid change(s) at the same position are present in gnomAD (highest allele count: v4: 1 heterozygote(s), 0 homozygote(s)); Previous reports of pathogenicity for this variant are conflicting. This variant has been classified as pathogenic and as VUS by clinical laboratories in ClinVar; No published evidence of segregation with disease has been identified for this variant; No published functional evidence has been identified for this variant; No comparable missense variants have previous evidence for pathogenicity; Variant is not located in an established domain, motif, hotspot or informative constraint region; Missense variant with inconclusive in silico prediction and/or uninformative conservation; Loss of function is a known mechanism of disease in this gene and is associated with polycystic kidney disease 1 (MIM#173900); Inheritance information for this variant is not currently available in this individual.

Ambry Genetics
Classification: Uncertain significance for Inborn genetic diseases. Last evaluated: 2024-05-21. Review status: criteria provided, single submitter. Criteria: Ambry Variant Classification Scheme 2023. Collection method: clinical testing. Allele origin: germline.

Prenatal Diagnosis Center, Inner Mongolia Medical University
Classification: Pathogenic for Polycystic kidney disease, adult type. Last evaluated: 2021-03-18. Review status: no assertion criteria provided. Collection method: clinical testing. Allele origin: de novo. Affected: yes. Observed: 1 variant allele. Not counted in ClinVar's aggregate classification.